The following is an entry in ClinVar:

ClinVar aggregate classification (germline): Uncertain significance (1 of 4 stars; one submission).

Submission:

Ambry Genetics
Classification: Uncertain significance. Last evaluated: 2026-06-03. Review status: criteria provided, single submitter. Criteria: Ambry Variant Classification Scheme 2023. Collection method: clinical testing. Allele origin: germline.
Comment: The c.8170A>G (p.I2724V) alteration is located in exon 7 (coding exon 6) of the MXRA5 gene. This alteration results from a A to G substitution at nucleotide position 8170, causing the isoleucine (I) at amino acid position 2724 to be replaced by a valine (V). Based on data from gnomAD, the G allele has an overall frequency of 0.002% (3/183087) total alleles studied. The highest observed frequency was 0.004% (3/81602) of European (non-Finnish) alleles. Based on insufficient or conflicting evidence, the clinical significance of this alteration remains unclear.

NM_015419.4(MXRA5):c.8170A>G (p.Ile2724Val)

Gene: MXRA5 (matrix remodeling associated 5; minus strand). Cytogenetic location: Xp22.33.
Variant type: single nucleotide variant.
Coding change: c.8170A>G on transcript NM_015419.4 (MANE Select); coding-DNA position 8170, A replaced by G.
Protein change: p.Ile2724Val; replaces isoleucine 2724 with valine.
Molecular consequence: missense variant.
Genome position (GRCh38, 1-based): chrX:3,310,033, T>C on the plus strand (A>G on the coding strand, the complement: MXRA5 is on the minus strand). VCF-style: chrX-3310033-T-C. GRCh37 (hg19) VCF-style: chrX-3228074-T-C.
Other names: short protein forms I2724V.
Identifiers: ClinVar variation 4860492 (VCV004860492.1).